The following is an entry in ClinVar:

NM_172364.5(CACNA2D4):c.593T>A (p.Leu198Gln)

Gene: CACNA2D4 (calcium voltage-gated channel auxiliary subunit alpha2delta 4; minus strand). Cytogenetic location: 12p13.33.
Variant type: single nucleotide variant.
Coding change: c.593T>A on transcript NM_172364.5 (MANE Select); coding-DNA position 593, T replaced by A.
Protein change: p.Leu198Gln; replaces leucine 198 with glutamine.
Molecular consequence: missense variant.
Genome position (GRCh38, 1-based): chr12:1,907,931, A>T on the plus strand (T>A on the coding strand, the complement: CACNA2D4 is on the minus strand). VCF-style: chr12-1907931-A-T. GRCh37 (hg19) VCF-style: chr12-2017097-A-T.
Other names: short protein forms L198Q.
Identifiers: ClinVar variation 307869 (VCV000307869.13), dbSNP rs200563551, ClinGen allele CA6387472.
Genomic context (GRCh38, chr12:1,907,931, plus strand): 5'-CTACCTTTGTTGTACACGTTGGTGGGCAGCTGCACGCTGCTGATGGAGGTGTTCACCGGC[A>T]GGTTGCTGAAGTGAGCATTGGACTCCAGGAGGAACTCGGCGCCCAGCTCCACGAAGTTGC-3'
Protein context (NP_758952.4, residues 188-208): LLESNAHFSN[Leu198Gln]PVNTSISSVQ

ClinVar aggregate classification (germline): Uncertain significance. Review status: criteria provided, multiple submitters, no conflicts (2 of 4 stars). 3 submissions from 3 submitters: Uncertain significance (3). Last evaluated 2025-07-08.

Conditions:
Inborn genetic diseases. Identifiers: MedGen C0950123, MeSH D030342.

Allele frequency attached by ClinVar (database versions not stated): gnomAD exomes 0.00006 and 0.00028; ExAC 0.00007; TOPMed 0.00008; gnomAD 0.00011; ESP Exome Variant Server 0.00016; 1000 Genomes Project 30x 0.00031; 1000 Genomes Project 0.00040.
gnomAD v4.1: 429 of 1,614,060 alleles (0.027%); highest among the groups gnomAD compares: Non-Finnish European, 0.034%; no homozygotes.

Submissions (3):

Labcorp Genetics (formerly Invitae), Labcorp
Classification: Uncertain significance. Last evaluated: 2025-07-08. Review status: criteria provided, single submitter. Criteria: Invitae Variant Classification Sherloc (09022015). Collection method: clinical testing. Allele origin: germline.
Comment: This sequence change replaces leucine, which is neutral and non-polar, with glutamine, which is neutral and polar, at codon 198 of the CACNA2D4 protein (p.Leu198Gln). This variant is present in population databases (rs200563551, gnomAD 0.01%). This variant has not been reported in the literature in individuals affected with CACNA2D4-related conditions. ClinVar contains an entry for this variant (Variation ID: 307869). An algorithm developed to predict the effect of missense changes on protein structure and function outputs the following: PolyPhen-2: "Benign". The glutamine amino acid residue is found in multiple mammalian species, which suggests that this missense change does not adversely affect protein function. In summary, the available evidence is currently insufficient to determine the role of this variant in disease. Therefore, it has been classified as a Variant of Uncertain Significance.

Blueprint Genetics
Classification: Uncertain significance. Last evaluated: 2024-09-06. Review status: criteria provided, single submitter. Criteria: ACMG Guidelines, 2015. Collection method: clinical testing. Allele origin: germline.

Ambry Genetics
Classification: Uncertain significance for Inborn genetic diseases. Last evaluated: 2021-09-27. Review status: criteria provided, single submitter. Criteria: Ambry Variant Classification Scheme 2023. Collection method: clinical testing. Allele origin: germline.